The following is an entry in ClinVar:

ClinVar aggregate classification (germline): Uncertain significance (1 of 4 stars; one submission).

Allele frequency attached by ClinVar (database versions not stated): gnomAD exomes below 0.00001; TOPMed 0.00001.
gnomAD v4.1: 2 of 1,613,986 alleles (0.00012%); highest among the groups gnomAD compares: Non-Finnish European, 0.00017%; no homozygotes.

Submission:

Labcorp Genetics (formerly Invitae), Labcorp
Classification: Uncertain significance. Last evaluated: 2021-12-09. Review status: criteria provided, single submitter. Criteria: Invitae Variant Classification Sherloc (09022015). Collection method: clinical testing. Allele origin: germline.
Comment: In summary, the available evidence is currently insufficient to determine the role of this variant in disease. Therefore, it has been classified as a Variant of Uncertain Significance. Advanced modeling of protein sequence and biophysical properties (such as structural, functional, and spatial information, amino acid conservation, physicochemical variation, residue mobility, and thermodynamic stability) performed at Invitae indicates that this missense variant is not expected to disrupt POC1B protein function. This variant has not been reported in the literature in individuals affected with POC1B-related conditions. This variant is present in population databases (no rsID available, gnomAD 0.007%). This sequence change replaces isoleucine, which is neutral and non-polar, with threonine, which is neutral and polar, at codon 21 of the POC1B protein (p.Ile21Thr).

NM_172240.3(POC1B):c.62T>C (p.Ile21Thr)

Genes: POC1B (POC1 centriolar protein B; minus strand), POC1B-DUSP6 (POC1B-DUSP6 readthrough; minus strand), POC1B-GALNT4 (POC1B-GALNT4 readthrough; minus strand), LOC130008356 (ATAC-STARR-seq lymphoblastoid silent region 4693; plus strand). Cytogenetic location: 12q21.33.
Variant type: single nucleotide variant.
Coding change: c.62T>C on transcript NM_172240.3 (MANE Select); coding-DNA position 62, T replaced by C.
Protein change: p.Ile21Thr; replaces isoleucine 21 with threonine.
Molecular consequence: missense variant. On other transcripts: 5 prime UTR variant (1), non-coding transcript variant (2).
Genome position (GRCh38, 1-based): chr12:89,525,158, A>G on the plus strand (T>C on the coding strand, the complement: POC1B is on the minus strand). VCF-style: chr12-89525158-A-G. GRCh37 (hg19) VCF-style: chr12-89918935-A-G.
Other names: c.62T>C, p.Ile21Thr (NM_001199781.2); c.322T>C, p.Ser108Pro (NM_001199782.1); c.-65T>C (NM_001199777.2); short protein forms I21T, S108P.
Identifiers: ClinVar variation 1377243 (VCV001377243.6), dbSNP rs1343763193, ClinGen allele CA386008157.